The following is an entry in ClinVar:

ClinVar aggregate classification (germline): Conflicting classifications of pathogenicity. Review status: criteria provided, conflicting classifications (1 of 4 stars). 3 submissions from 3 submitters: Uncertain significance (1); Likely benign (2). Last evaluated 2026-08-01.

Conditions:
Inborn genetic diseases. Identifiers: MedGen C0950123, MeSH D030342.

Allele frequency attached by ClinVar (database versions not stated): gnomAD 0.00104; 1000 Genomes Project 0.00120; gnomAD exomes 0.00150; ExAC 0.00167.

Submissions (3):

CeGaT Center for Human Genetics Tuebingen
Classification: Likely benign. Last evaluated: 2026-08-01. Review status: criteria provided, single submitter. Criteria: CeGaT Center For Human Genetics Tuebingen Variant Classification Criteria Version 2. Collection method: clinical testing. Allele origin: germline. Affected: yes. Observed: 4 variant alleles.
Comment: DSPP: PP3, BS1

Ambry Genetics
Classification: Uncertain significance for Inborn genetic diseases. Last evaluated: 2024-12-03. Review status: criteria provided, single submitter. Criteria: Ambry Variant Classification Scheme 2023. Collection method: clinical testing. Allele origin: germline.

Blueprint Genetics
Classification: Likely benign. Last evaluated: 2024-11-14. Review status: criteria provided, single submitter. Criteria: ACMG Guidelines, 2015. Collection method: clinical testing. Allele origin: germline.

NM_014208.3(DSPP):c.3109A>T (p.Ser1037Cys)

Genes: DMP1-AS1 (DMP1 and DSPP antisense RNA 1; minus strand), DSPP (dentin sialophosphoprotein; plus strand). Cytogenetic location: 4q22.1.
Variant type: single nucleotide variant.
Coding change: c.3109A>T on transcript NM_014208.3 (MANE Select); coding-DNA position 3109, A replaced by T.
Protein change: p.Ser1037Cys; replaces serine 1037 with cysteine.
Molecular consequence: missense variant.
Genome position (GRCh38, 1-based): chr4:87,615,771, A>T. VCF-style: chr4-87615771-A-T. GRCh37 (hg19) VCF-style: chr4-88536923-A-T.
Other names: short protein forms S1037C.
Identifiers: ClinVar variation 2211119 (VCV002211119.28), dbSNP rs528068159, ClinGen allele CA3001417.